The following is an entry in ClinVar:

ClinVar aggregate classification (germline): Conflicting classifications of pathogenicity. Review status: criteria provided, conflicting classifications (1 of 4 stars). 4 submissions from 4 submitters: Likely pathogenic (1); Uncertain significance (3). Last evaluated 2024-10-21.

Conditions:
Ovarian cancer. Also called: OVARIAN CANCER, SOMATIC. Identifiers: Orphanet 213500, MedGen C1140680, MONDO:0008170, OMIM 167000.
Fanconi anemia (FA). Also called: Fanconi's anemia. Identifiers: Orphanet 84, MedGen C0015625, MeSH D005199, MONDO:0019391.
Fanconi anemia complementation group D2. Also called: FANCD2-Related Fanconi Anemia; FANCONI PANCYTOPENIA, TYPE 4; FANCONI ANEMIA, COMPLEMENTATION GROUP D. Identifiers: Orphanet 84, MedGen C3160738, MONDO:0009214, OMIM 227646.

Submissions (4):

Blueprint Genetics
Classification: Uncertain significance. Last evaluated: 2024-10-21. Review status: criteria provided, single submitter. Criteria: ACMG Guidelines, 2015. Collection method: clinical testing. Allele origin: germline.

Fulgent Genetics
Classification: Uncertain significance for Fanconi anemia complementation group D2. Last evaluated: 2024-05-13. Review status: criteria provided, single submitter. Criteria: ACMG Guidelines, 2015. Collection method: clinical testing. Allele origin: germline.

Labcorp Genetics (formerly Invitae), Labcorp
Classification: Uncertain significance for Fanconi anemia. Last evaluated: 2023-09-20. Review status: criteria provided, single submitter. Criteria: Invitae Variant Classification Sherloc (09022015). Collection method: clinical testing. Allele origin: germline.
Comment: This sequence change replaces proline, which is neutral and non-polar, with leucine, which is neutral and non-polar, at codon 701 of the FANCD2 protein (p.Pro701Leu). The frequency data for this variant in the population databases is considered unreliable, as metrics indicate poor data quality at this position in the gnomAD database. This variant has not been reported in the literature in individuals affected with FANCD2-related conditions. ClinVar contains an entry for this variant (Variation ID: 2041509). Advanced modeling of protein sequence and biophysical properties (such as structural, functional, and spatial information, amino acid conservation, physicochemical variation, residue mobility, and thermodynamic stability) performed at Invitae indicates that this missense variant is expected to disrupt FANCD2 protein function. In summary, the available evidence is currently insufficient to determine the role of this variant in disease. Therefore, it has been classified as a Variant of Uncertain Significance.

Laboratory of Molecular Epidemiology of Birth Defects, West China Second University Hospital, Sichuan University
Classification: Likely pathogenic for Ovarian cancer. Last evaluated: 2022-01-01. Review status: criteria provided, single submitter. Criteria: ACMG Guidelines, 2015. Collection method: clinical testing. Allele origin: germline. Affected: yes.

NM_001018115.3(FANCD2):c.2102C>T (p.Pro701Leu)

Genes: FANCD2 (FA complementation group D2; plus strand), LOC107303338 (3p25 FANCD2 Alu-mediated recombination region; plus strand). Cytogenetic location: 3p25.3.
Variant type: single nucleotide variant.
Coding change: c.2102C>T on transcript NM_001018115.3 (MANE Select); coding-DNA position 2102, C replaced by T.
Protein change: p.Pro701Leu; replaces proline 701 with leucine.
Molecular consequence: missense variant.
Genome position (GRCh38, 1-based): chr3:10,064,809, C>T. VCF-style: chr3-10064809-C-T. GRCh37 (hg19) VCF-style: chr3-10106493-C-T.
Other names: c.2102C>T (NM_001018115.2, NM_033084.4); c.2102C>T, p.Pro701Leu (NM_001319984.2, NM_001374254.1, NM_033084.6); c.1991C>T, p.Pro664Leu (NM_001374253.1); short protein forms P664L, P701L.
Identifiers: ClinVar variation 2041509 (VCV002041509.6), dbSNP rs1352402588, ClinGen allele CA351733364.